The following is an entry in ClinVar:

ClinVar aggregate classification (germline): Conflicting classifications of pathogenicity. Review status: criteria provided, conflicting classifications (1 of 4 stars). 3 submissions from 3 submitters: Uncertain significance (1); Likely benign (2). Last evaluated 2025-10-29.

Conditions:
RAI1-related disorder. Also called: RAI1-related condition.
Inborn genetic diseases. Identifiers: MedGen C0950123, MeSH D030342.

Allele frequency attached by ClinVar (database versions not stated): ExAC 0.00001; gnomAD exomes 0.00001; 1000 Genomes Project 0.00020.
gnomAD v4.1: 19 of 1,614,038 alleles (0.0012%); highest among the groups gnomAD compares: South Asian, 0.0033%; no homozygotes.

Submissions (3):

Labcorp Genetics (formerly Invitae), Labcorp
Classification: Likely benign. Last evaluated: 2025-10-29. Review status: criteria provided, single submitter. Criteria: Invitae Variant Classification Sherloc (09022015). Collection method: clinical testing. Allele origin: germline.

PreventionGenetics, part of Exact Sciences
Classification: Uncertain significance for RAI1-related condition. Last evaluated: 2025-06-21. Review status: criteria provided, single submitter. Criteria: ACMG Guidelines, 2015. Collection method: clinical testing. Allele origin: germline.
Comment: The RAI1 c.4609C>T variant is predicted to result in the amino acid substitution p.Arg1537Trp. To our knowledge, this variant has not been reported in the literature. This variant is reported in 0.0033% of alleles in individuals of South Asian descent in gnomAD. At this time, the clinical significance of this variant is uncertain due to the absence of conclusive functional and genetic evidence.

Ambry Genetics
Classification: Likely benign for Inborn genetic diseases. Last evaluated: 2024-07-30. Review status: criteria provided, single submitter. Criteria: Ambry Variant Classification Scheme 2023. Collection method: clinical testing. Allele origin: germline.

NM_030665.4(RAI1):c.4609C>T (p.Arg1537Trp)

Gene: RAI1 (retinoic acid induced 1; plus strand). Cytogenetic location: 17p11.2.
Variant type: single nucleotide variant.
Coding change: c.4609C>T on transcript NM_030665.4 (MANE Select); coding-DNA position 4609, C replaced by T.
Protein change: p.Arg1537Trp; replaces arginine 1537 with tryptophan.
Molecular consequence: missense variant.
Genome position (GRCh38, 1-based): chr17:17,797,557, C>T. VCF-style: chr17-17797557-C-T. GRCh37 (hg19) VCF-style: chr17-17700871-C-T.
Other names: c.4609C>T (NM_030665.3); short protein forms R1537W.
Identifiers: ClinVar variation 2199616 (VCV002199616.6), dbSNP rs201515899, ClinGen allele CA8418990.